The following is an entry in ClinVar:

NM_000548.5(TSC2):c.3306G>C (p.Val1102=)

Gene: TSC2 (TSC complex subunit 2; plus strand). Cytogenetic location: 16p13.3.
Variant type: single nucleotide variant.
Coding change: c.3306G>C on transcript NM_000548.5 (MANE Select); coding-DNA position 3306, G replaced by C.
Protein change: p.Val1102=; no amino-acid change (valine 1102 retained).
Molecular consequence: synonymous variant.
Genome position (GRCh38, 1-based): chr16:2,079,578, G>C. VCF-style: chr16-2079578-G-C. GRCh37 (hg19) VCF-style: chr16-2129579-G-C.
Other names: c.3174G>C, p.Val1058= (NM_001077183.3, NM_001370404.1); c.3306G>C, p.Val1102= (NM_001114382.3); c.3066G>C, p.Val1022= (NM_001318827.2); c.3030G>C, p.Val1010= (NM_001318829.2); c.2574G>C, p.Val858= (NM_001318831.2); c.3207G>C, p.Val1069= (NM_001318832.2); c.3177G>C, p.Val1059= (NM_001363528.2, NM_001370405.1, NM_021055.3); c.3306G>C (NM_000548.3).
Identifiers: ClinVar variation 1086509 (VCV001086509.11), dbSNP rs762917290, ClinGen allele CA045681.

ClinVar aggregate classification (germline): Benign/Likely benign. Review status: criteria provided, multiple submitters, no conflicts (2 of 4 stars). 3 submissions from 3 submitters: Benign (1); Likely benign (2). Last evaluated 2026-07-22.

Conditions:
Hereditary cancer-predisposing syndrome. Also called: Neoplastic Syndromes, Hereditary; Tumor predisposition; Hereditary Cancer Syndrome; Hereditary neoplastic syndrome. Identifiers: Orphanet 140162, MedGen C0027672, MeSH D009386, MONDO:0015356.
Tuberous sclerosis 2 (TSC2). Identifiers: Orphanet 805, MedGen C1860707, MONDO:0013199, OMIM 613254.

Allele frequency attached by ClinVar (database versions not stated): gnomAD exomes 0.00001; ExAC 0.00001.
gnomAD v4.1: 5 of 1,611,552 alleles (0.00031%); highest among the groups gnomAD compares: East Asian, 0.0089%; no homozygotes.

Submissions (3):

Ambry Genetics
Classification: Likely benign for Hereditary cancer-predisposing syndrome. Last evaluated: 2026-07-22. Review status: criteria provided, single submitter. Criteria: Ambry Variant Classification Scheme 2023. Collection method: clinical testing. Allele origin: germline.

Myriad Genetics, Inc.
Classification: Benign for Tuberous sclerosis 2. Last evaluated: 2025-05-28. Review status: criteria provided, single submitter. Criteria: Myriad Autosomal Dominant, Autosomal Recessive and X-Linked Classification Criteria (2023). Collection method: clinical testing. Allele origin: unknown.
Comment: This variant is considered benign. This variant is a silent/synonymous amino acid change and it is not expected to impact splicing.

Labcorp Genetics (formerly Invitae), Labcorp
Classification: Likely benign for Tuberous sclerosis 2. Last evaluated: 2024-02-08. Review status: criteria provided, single submitter. Criteria: Invitae Variant Classification Sherloc (09022015). Collection method: clinical testing. Allele origin: germline.